The following is an entry in ClinVar:

ClinVar aggregate classification (germline): Pathogenic (1 of 4 stars; one submission).

Submission:

Labcorp Genetics (formerly Invitae), Labcorp
Classification: Pathogenic. Last evaluated: 2021-08-11. Review status: criteria provided, single submitter. Criteria: Invitae Variant Classification Sherloc (09022015). Collection method: clinical testing. Allele origin: germline.
Comment: This sequence change creates a premature translational stop signal (p.Gln310Serfs*23) in the COL27A1 gene. It is expected to result in an absent or disrupted protein product. Loss-of-function variants in COL27A1 are known to be pathogenic (PMID: 24986830, 28276056). This variant is not present in population databases (ExAC no frequency). This variant has not been reported in the literature in individuals affected with COL27A1-related conditions. For these reasons, this variant has been classified as Pathogenic.

Literature cited by the submitters: PubMed 24986830; PubMed 28276056.

NM_032888.4(COL27A1):c.924_927dup (p.Gln310fs)

Gene: COL27A1 (collagen type XXVII alpha 1 chain; plus strand). Cytogenetic location: 9q32.
Variant type: Duplication.
Coding change: c.924_927dup on transcript NM_032888.4 (MANE Select); coding-DNA positions 924 to 927, 4 bases duplicated (TCAC; older notation c.924_927dupTCAC).
Protein change: p.Gln310fs; shifts the reading frame from glutamine 310.
Molecular consequence: frameshift variant.
Genome position (GRCh38, 1-based): chr9:114,168,479-114,168,482, TCAC duplicated; duplicating any 4 consecutive bases within chr9:114,168,478-114,168,482 gives the same sequence; the c. name uses the placement nearest the transcript's 3' end. VCF-style (leftmost placement, unchanged base first): chr9-114168477-C-CCTCA. GRCh37 (hg19) VCF-style: chr9-116930757-C-CCTCA.
Other names: short protein forms Q310fs.
Identifiers: ClinVar variation 1412773 (VCV001412773.6), dbSNP rs2135078208, ClinGen allele CA2573143805.